The following is an entry in ClinVar:

ClinVar aggregate classification (germline): Uncertain significance. Review status: criteria provided, multiple submitters, no conflicts (2 of 4 stars). 3 submissions from 3 submitters: Uncertain significance (3). Last evaluated 2025-07-30.

Conditions:
Developmental and epileptic encephalopathy, 33 (DEE33). Also called: Epileptic encephalopathy, early infantile, 33. Identifiers: Orphanet 442835, MedGen C4225337, MONDO:0014625, OMIM 616409.
Inborn genetic diseases. Identifiers: MedGen C0950123, MeSH D030342.

Submissions (3):

Labcorp Genetics (formerly Invitae), Labcorp
Classification: Uncertain significance for Developmental and epileptic encephalopathy, 33. Last evaluated: 2025-07-30. Review status: criteria provided, single submitter. Criteria: Invitae Variant Classification Sherloc (09022015). Collection method: clinical testing. Allele origin: germline.
Comment: This sequence change replaces serine, which is neutral and polar, with tryptophan, which is neutral and slightly polar, at codon 316 of the EEF1A2 protein (p.Ser316Trp). This variant is not present in population databases (gnomAD no frequency). This variant has not been reported in the literature in individuals affected with EEF1A2-related conditions. ClinVar contains an entry for this variant (Variation ID: 1767089). Invitae Evidence Modeling of protein sequence and biophysical properties (such as structural, functional, and spatial information, amino acid conservation, physicochemical variation, residue mobility, and thermodynamic stability) indicates that this missense variant is expected to disrupt EEF1A2 protein function with a positive predictive value of 80%. In summary, the available evidence is currently insufficient to determine the role of this variant in disease. Therefore, it has been classified as a Variant of Uncertain Significance.

Revvity Omics, Revvity
Classification: Uncertain significance. Last evaluated: 2024-10-16. Review status: criteria provided, single submitter. Criteria: ACMG Guidelines, 2015. Collection method: clinical testing. Allele origin: germline.

Ambry Genetics
Classification: Uncertain significance for Inborn genetic diseases. Last evaluated: 2017-06-22. Review status: criteria provided, single submitter. Criteria: Ambry Variant Classification Scheme 2023. Collection method: clinical testing. Allele origin: germline.
Comment: The p.S316W variant (also known as c.947C>G), located in coding exon 5 of the EEF1A2 gene, results from a C to G substitution at nucleotide position 947. The serine at codon 316 is replaced by tryptophan, an amino acid with highly dissimilar properties. This amino acid position is highly conserved in available vertebrate species. In addition, the in silico prediction for this alteration is inconclusive. Since supporting evidence is limited at this time, the clinical significance of this alteration remains unclear.

NM_001958.5(EEF1A2):c.947C>G (p.Ser316Trp)

Gene: EEF1A2 (eukaryotic translation elongation factor 1 alpha 2; minus strand). Cytogenetic location: 20q13.33.
Variant type: single nucleotide variant.
Coding change: c.947C>G on transcript NM_001958.5 (MANE Select); coding-DNA position 947, C replaced by G.
Protein change: p.Ser316Trp; replaces serine 316 with tryptophan.
Molecular consequence: missense variant.
Genome position (GRCh38, 1-based): chr20:63,490,561, G>C on the plus strand (C>G on the coding strand, the complement: EEF1A2 is on the minus strand). VCF-style: chr20-63490561-G-C. GRCh37 (hg19) VCF-style: chr20-62121914-G-C.
Other names: short protein forms S316W.
Identifiers: ClinVar variation 1767089 (VCV001767089.4), dbSNP rs2082374152, ClinGen allele CA409647410.